The following is an entry in ClinVar:

NM_001875.5(CPS1):c.1747C>T (p.Pro583Ser)

Gene: CPS1 (carbamoyl-phosphate synthase 1; plus strand). Cytogenetic location: 2q34.
Variant type: single nucleotide variant.
Coding change: c.1747C>T on transcript NM_001875.5 (MANE Select); coding-DNA position 1747, C replaced by T.
Protein change: p.Pro583Ser; replaces proline 583 with serine.
Molecular consequence: missense variant. On other transcripts: non-coding transcript variant (2).
Genome position (GRCh38, 1-based): chr2:210,602,241, C>T. VCF-style: chr2-210602241-C-T. GRCh37 (hg19) VCF-style: chr2-211466965-C-T.
Other names: c.1747C>T, p.Pro583Ser (NM_001122633.3, NM_001369257.1); c.1780C>T, p.Pro594Ser (NM_001369256.1); short protein forms P583S, P594S.
Identifiers: ClinVar variation 1959458 (VCV001959458.2), dbSNP rs145186012, ClinGen allele CA2086458.

ClinVar aggregate classification (germline): Uncertain significance (1 of 4 stars; one submission).

Conditions:
Congenital hyperammonemia, type I. Also called: Carbamoyl-phosphate synthase I deficiency; CPS I DEFICIENCY; Carbamoyl phosphate synthetase 1 deficiency; Hyperammonemia due to carbamoyl phosphate synthetase 1 deficiency; CPS 1 deficiency; Carbamyl phosphate synthetase (CPS) deficiency. Identifiers: Orphanet 147, MedGen C4082171, MONDO:0009376, OMIM 237300.

Allele frequency attached by ClinVar (database versions not stated): gnomAD exomes below 0.00001; ExAC 0.00001; gnomAD 0.00001; TOPMed 0.00001; ESP Exome Variant Server 0.00008.
gnomAD v4.1: 6 of 1,612,322 alleles (0.00037%); highest among the groups gnomAD compares: Non-Finnish European, 0.00051%; no homozygotes.

Submission:

Labcorp Genetics (formerly Invitae), Labcorp
Classification: Uncertain significance for Congenital hyperammonemia, type I. Last evaluated: 2022-05-03. Review status: criteria provided, single submitter. Criteria: Invitae Variant Classification Sherloc (09022015). Collection method: clinical testing. Allele origin: germline.
Comment: This sequence change replaces proline, which is neutral and non-polar, with serine, which is neutral and polar, at codon 583 of the CPS1 protein (p.Pro583Ser). This variant is present in population databases (rs145186012, gnomAD 0.0009%). This variant has not been reported in the literature in individuals affected with CPS1-related conditions. Algorithms developed to predict the effect of missense changes on protein structure and function are either unavailable or do not agree on the potential impact of this missense change (SIFT: "Deleterious"; PolyPhen-2: "Probably Damaging"; Align-GVGD: "Class C0"). In summary, the available evidence is currently insufficient to determine the role of this variant in disease. Therefore, it has been classified as a Variant of Uncertain Significance.